The following is an entry in ClinVar:

NM_005529.7(HSPG2):c.7708C>T (p.Arg2570Cys)

Gene: HSPG2 (heparan sulfate proteoglycan 2; minus strand). Cytogenetic location: 1p36.12.
Variant type: single nucleotide variant.
Coding change: c.7708C>T on transcript NM_005529.7 (MANE Select); coding-DNA position 7708, C replaced by T.
Protein change: p.Arg2570Cys; replaces arginine 2570 with cysteine.
Molecular consequence: missense variant.
Genome position (GRCh38, 1-based): chr1:21,848,672, G>A on the plus strand (C>T on the coding strand, the complement: HSPG2 is on the minus strand). VCF-style: chr1-21848672-G-A. GRCh37 (hg19) VCF-style: chr1-22175165-G-A.
Other names: c.7711C>T, p.Arg2571Cys (NM_001291860.2); short protein forms R2570C, R2571C.
Identifiers: ClinVar variation 3700656 (VCV003700656.2).

ClinVar aggregate classification (germline): Uncertain significance (1 of 4 stars; one submission).

gnomAD v4.1: 13 of 1,613,596 alleles (0.00081%); highest among the groups gnomAD compares: South Asian, 0.0077%; no homozygotes.

Submission:

Labcorp Genetics (formerly Invitae), Labcorp
Classification: Uncertain significance. Last evaluated: 2025-01-20. Review status: criteria provided, single submitter. Criteria: Invitae Variant Classification Sherloc (09022015). Collection method: clinical testing. Allele origin: germline.
Comment: This sequence change replaces arginine, which is basic and polar, with cysteine, which is neutral and slightly polar, at codon 2570 of the HSPG2 protein (p.Arg2570Cys). This variant is present in population databases (rs766715131, gnomAD 0.01%). This variant has not been reported in the literature in individuals affected with HSPG2-related conditions. An algorithm developed to predict the effect of missense changes on protein structure and function (PolyPhen-2) suggests that this variant is likely to be disruptive. In summary, the available evidence is currently insufficient to determine the role of this variant in disease. Therefore, it has been classified as a Variant of Uncertain Significance.